The following is an entry in ClinVar:

ClinVar aggregate classification (germline): Uncertain significance (1 of 4 stars; one submission).

Conditions:
Hypertrophic cardiomyopathy 12. Identifiers: MedGen C2677491, MONDO:0012804, OMIM 612124.
Dilated cardiomyopathy 1M (CMD1M). Identifiers: Orphanet 154, MedGen C1843808, MONDO:0011840, OMIM 607482.

Allele frequency attached by ClinVar (database versions not stated): TOPMed below 0.00001; ExAC 0.00001; gnomAD exomes below 0.00001; gnomAD 0.00001.
gnomAD v4.1: 3 of 1,605,338 alleles (0.00019%); highest among the groups gnomAD compares: Non-Finnish European, 0.00026%; no homozygotes.

Submission:

Labcorp Genetics (formerly Invitae), Labcorp
Classification: Uncertain significance for Hypertrophic cardiomyopathy 12; Dilated cardiomyopathy 1M. Last evaluated: 2025-11-28. Review status: criteria provided, single submitter. Criteria: Invitae Variant Classification Sherloc (09022015). Collection method: clinical testing. Allele origin: germline.
Comment: This sequence change affects a donor splice site in intron 6 of the CSRP3 gene. While this variant is not anticipated to result in nonsense mediated decay, it likely alters RNA splicing and results in a disrupted protein product. This variant is present in population databases (rs754267141, gnomAD 0.002%). Disruption of this splice site has been observed in individual(s) with hypertrophic cardiomyopathy (internal data). ClinVar contains an entry for this variant (Variation ID: 570553). Variants that disrupt the consensus splice site are a relatively common cause of aberrant splicing (PMID: 17576681, 9536098). Algorithms developed to predict the effect of sequence changes on RNA splicing suggest that this variant may disrupt the consensus splice site. In summary, the available evidence is currently insufficient to determine the role of this variant in disease. Therefore, it has been classified as a Variant of Uncertain Significance.

Literature cited by the submitters: PubMed 17576681; PubMed 9536098.

NM_003476.5(CSRP3):c.508+2T>C

Gene: CSRP3 (cysteine and glycine rich protein 3; minus strand). Cytogenetic location: 11p15.1.
Variant type: single nucleotide variant.
Coding change: c.508+2T>C on transcript NM_003476.5 (MANE Select); the canonical splice donor site of the intron after coding-DNA position 508, T replaced by C.
Molecular consequence: splice donor variant.
Genome position (GRCh38, 1-based): chr11:19,184,950, A>G on the plus strand (T>C on the coding strand, the complement: CSRP3 is on the minus strand). VCF-style: chr11-19184950-A-G. GRCh37 (hg19) VCF-style: chr11-19206497-A-G.
Other names: c.339+2T>C (NM_001369404.1).
Identifiers: ClinVar variation 570553 (VCV000570553.7), dbSNP rs754267141, ClinGen allele CA5916531.